The following is an entry in ClinVar:

NM_012184.5(FOXD4L1):c.876C>T (p.Pro292=)

Gene: FOXD4L1 (forkhead box D4 like 1; plus strand). Cytogenetic location: 2q14.1.
Variant type: single nucleotide variant.
Coding change: c.876C>T on transcript NM_012184.5 (MANE Select); coding-DNA position 876, C replaced by T.
Protein change: p.Pro292=; no amino-acid change (proline 292 retained).
Molecular consequence: synonymous variant.
Genome position (GRCh38, 1-based): chr2:113,500,132, C>T. VCF-style: chr2-113500132-C-T. GRCh37 (hg19) VCF-style: chr2-114257709-C-T.
Identifiers: ClinVar variation 2651291 (VCV002651291.24), dbSNP rs140280807, ClinGen allele CA1841097.

ClinVar aggregate classification (germline): Likely benign (1 of 4 stars; one submission).

Allele frequency attached by ClinVar (database versions not stated): 1000 Genomes Project 30x 0.00016; 1000 Genomes Project 0.00020; ESP Exome Variant Server 0.00057; gnomAD exomes 0.00105; gnomAD 0.00157; ExAC 0.00163.
gnomAD v4.1: 1,797 of 1,513,422 alleles (0.12%); highest among the groups gnomAD compares: Middle Eastern, 1.1%; 314 homozygotes.

Submission:

CeGaT Center for Human Genetics Tuebingen
Classification: Likely benign. Last evaluated: 2024-03-01. Review status: criteria provided, single submitter. Criteria: CeGaT Center For Human Genetics Tuebingen Variant Classification Criteria Version 2. Collection method: clinical testing. Allele origin: germline. Affected: yes. Observed: 2 variant alleles.
Comment: FOXD4L1: BP4, BP7, BS2